The following is an entry in ClinVar:

NM_198578.4(LRRK2):c.546A>T (p.Lys182Asn)

Gene: LRRK2 (leucine rich repeat kinase 2; plus strand). Cytogenetic location: 12q12.
Variant type: single nucleotide variant.
Coding change: c.546A>T on transcript NM_198578.4 (MANE Select); coding-DNA position 546, A replaced by T.
Protein change: p.Lys182Asn; replaces lysine 182 with asparagine.
Molecular consequence: missense variant.
Genome position (GRCh38, 1-based): chr12:40,238,078, A>T. VCF-style: chr12-40238078-A-T. GRCh37 (hg19) VCF-style: chr12-40631880-A-T.
Other names: short protein forms K182N.
Identifiers: ClinVar variation 2803536 (VCV002803536.3), dbSNP rs35517158, ClinGen allele CA6513121.
Genomic context (GRCh38, chr12:40,238,078, plus strand): 5'-AATTTTTGATGCCATGCACTCATTTCCAGCCAATGATGAAGTCCAGAAACTTGGATGCAA[A>T]GCTTTACATGTGCTGTTTGAGAGAGGTATTTTAAAATGTCAAATTCCTTAAAGTATATAT-3'
Protein context (NP_940980.4, residues 172-192): ANDEVQKLGC[Lys182Asn]ALHVLFERVS

ClinVar aggregate classification (germline): Uncertain significance (1 of 4 stars; one submission).

Conditions:
Autosomal dominant Parkinson disease 8. Also called: Parkinson disease 8, susceptibility to; LRRK2-Related Parkinson Disease; Parkinson disease 8. Identifiers: Orphanet 411602, MedGen C1846862, MONDO:0011764, OMIM 607060.

gnomAD v4.1: 7 of 1,613,624 alleles (0.00043%); highest among the groups gnomAD compares: Non-Finnish European, 0.00059%; no homozygotes.

Submission:

Labcorp Genetics (formerly Invitae), Labcorp
Classification: Uncertain significance for Autosomal dominant Parkinson disease 8. Last evaluated: 2025-10-13. Review status: criteria provided, single submitter. Criteria: Invitae Variant Classification Sherloc (09022015). Collection method: clinical testing. Allele origin: germline.
Comment: This sequence change replaces lysine, which is basic and polar, with asparagine, which is neutral and polar, at codon 182 of the LRRK2 protein (p.Lys182Asn). This variant is present in population databases (rs35517158, gnomAD 0.0009%). This variant has not been reported in the literature in individuals affected with LRRK2-related conditions. ClinVar contains an entry for this variant (Variation ID: 2803536). Invitae Evidence Modeling of protein sequence and biophysical properties (such as structural, functional, and spatial information, amino acid conservation, physicochemical variation, residue mobility, and thermodynamic stability) has been performed for this missense variant. However, the output from this modeling did not meet the statistical confidence thresholds required to predict the impact of this variant on LRRK2 protein function. In summary, the available evidence is currently insufficient to determine the role of this variant in disease. Therefore, it has been classified as a Variant of Uncertain Significance.